The following is an entry in ClinVar:

ClinVar aggregate classification (germline): Uncertain significance. Review status: criteria provided, multiple submitters, no conflicts (2 of 4 stars). 2 submissions from 2 submitters: Uncertain significance (2). Last evaluated 2026-05-12.

Conditions:
RP1L1-related disorder. Also called: RP1L1-related condition.
Inborn genetic diseases. Identifiers: MedGen C0950123, MeSH D030342.

gnomAD v4.1: 10 of 1,613,560 alleles (0.00062%); highest among the groups gnomAD compares: East Asian, 0.0022%; no homozygotes.

Submissions (2):

PreventionGenetics, part of Exact Sciences
Classification: Uncertain significance for RP1L1-related condition. Last evaluated: 2026-05-12. Review status: criteria provided, single submitter. Criteria: ACMG Guidelines, 2015. Collection method: clinical testing. Allele origin: germline.
Comment: The RP1L1 c.3580A>T variant is predicted to result in the amino acid substitution p.Thr1194Ser. To our knowledge, this variant has not been reported in the literature. This variant is reported in 0.0033% of alleles in individuals of South Asian descent in gnomAD. At this time, the clinical significance of this variant is uncertain due to the absence of conclusive functional and genetic evidence.

Ambry Genetics
Classification: Uncertain significance for Inborn genetic diseases. Last evaluated: 2025-04-30. Review status: criteria provided, single submitter. Criteria: Ambry Variant Classification Scheme 2023. Collection method: clinical testing. Allele origin: germline.

NM_178857.6(RP1L1):c.3580A>T (p.Thr1194Ser)

Gene: RP1L1 (RP1 like 1). Cytogenetic location: 8p23.1.
Variant type: single nucleotide variant.
Coding change: c.3580A>T on transcript NM_178857.6 (MANE Select); coding-DNA position 3580, A replaced by T.
Protein change: p.Thr1194Ser; replaces threonine 1194 with serine.
Molecular consequence: missense variant.
Genome position (GRCh38, 1-based): chr8:10,610,518, T>A on the plus strand (A>T on the coding strand, the complement: RP1L1 is on the minus strand). VCF-style: chr8-10610518-T-A. GRCh37 (hg19) VCF-style: chr8-10468028-T-A.
Other names: short protein forms T1194S.
Identifiers: ClinVar variation 3947249 (VCV003947249.2).
Genomic context (GRCh38, chr8:10,610,518, plus strand): 5'-TACTCTCCCCTGAGCCTCCAGAGCCGCTGCTGATGTCCACACCAGAGGAGGATGTGGGCG[T>A]GAAGTTCTCCGTCATGGCATGGGACCCAAGGTCTGGCAGAGCCTGGCTCCATGTGAGCTC-3'
Protein context (NP_849188.4, residues 1184-1204): LGSHAMTENF[Thr1194Ser]PTSSSGVDIS